The following is an entry in ClinVar:

ClinVar aggregate classification (germline): Uncertain significance (1 of 4 stars; one submission).

Conditions:
Neurodevelopmental disorder with progressive spasticity and brain white matter abnormalities. Also called: CEREBRAL PALSY, SPASTIC QUADRIPLEGIC, 1. Identifiers: Orphanet 210141, Orphanet 641353, MedGen C5436628, MONDO:0033613, OMIM 619026.

Submission:

Labcorp Genetics (formerly Invitae), Labcorp
Classification: Uncertain significance for Neurodevelopmental disorder with progressive spasticity and brain white matter abnormalities. Last evaluated: 2022-01-14. Review status: criteria provided, single submitter. Criteria: Invitae Variant Classification Sherloc (09022015). Collection method: clinical testing. Allele origin: germline.
Comment: Algorithms developed to predict the effect of missense changes on protein structure and function (SIFT, PolyPhen-2, Align-GVGD) all suggest that this variant is likely to be tolerated. ClinVar contains an entry for this variant (Variation ID: 849804). This variant has not been reported in the literature in individuals affected with GAD1-related conditions. This variant is not present in population databases (gnomAD no frequency). This sequence change replaces glutamic acid, which is acidic and polar, with glutamine, which is neutral and polar, at codon 509 of the GAD1 protein (p.Glu509Gln). In summary, the available evidence is currently insufficient to determine the role of this variant in disease. Therefore, it has been classified as a Variant of Uncertain Significance.

NM_000817.3(GAD1):c.1525G>C (p.Glu509Gln)

Gene: GAD1 (glutamate decarboxylase 1; plus strand). Cytogenetic location: 2q31.1.
Variant type: single nucleotide variant.
Coding change: c.1525G>C on transcript NM_000817.3 (MANE Select); coding-DNA position 1525, G replaced by C.
Protein change: p.Glu509Gln; replaces glutamic acid 509 with glutamine.
Molecular consequence: missense variant.
Genome position (GRCh38, 1-based): chr2:170,858,807, G>C. VCF-style: chr2-170858807-G-C. GRCh37 (hg19) VCF-style: chr2-171715317-G-C.
Other names: short protein forms E509Q.
Identifiers: ClinVar variation 849804 (VCV000849804.50), dbSNP rs1381723796, ClinGen allele CA349268904.